The following is an entry in ClinVar:

ClinVar aggregate classification (germline): Likely pathogenic (1 of 4 stars; one submission).

Conditions:
Hyperinsulinemic hypoglycemia, familial, 1 (HHF1). Also called: Persistent hyperinsulinemic hypoglycemia of infancy; HYPERINSULINISM, FAMILIAL, WITH PANCREATIC NESIDIOBLASTOSIS; HYPOGLYCEMIA, HYPERINSULINEMIC, OF INFANCY; NESIDIOBLASTOSIS OF PANCREAS; Persistent Hyperinsulinemia Hypoglycemia of Infancy. Identifiers: Orphanet 276575, Orphanet 276598, MedGen C2931832, MONDO:0009734, OMIM 256450.

Submission:

Myriad Genetics, Inc.
Classification: Likely pathogenic for Hyperinsulinemic hypoglycemia, familial, 1. Last evaluated: 2021-12-31. Review status: criteria provided, single submitter. Criteria: Myriad Women's Health Autosomal Recessive and X-Linked Classification Criteria (2021). Collection method: clinical testing. Allele origin: unknown.
Comment: NM_000352.3(ABCC8):c.3842delG(G1281Afs*8) is expected to be pathogenic in the context of familial hyperinsulinism, ABCC8-related. This variant is predicted to lead to an abnormal or absent protein product due to the creation of a premature termination codon in ABCC8, a gene where loss-of-function variants are known to be pathogenic. Please note: this variant was assessed in the context of healthy population screening.

NM_000352.6(ABCC8):c.3842del (p.Gly1281fs)

Gene: ABCC8 (ATP binding cassette subfamily C member 8; minus strand). Cytogenetic location: 11p15.1.
Variant type: Deletion.
Coding change: c.3842del on transcript NM_000352.6 (MANE Select); coding-DNA position 3842, one base deleted (G; older notation c.3842delG).
Protein change: p.Gly1281fs; shifts the reading frame from glycine 1281.
Molecular consequence: frameshift variant. On other transcripts: non-coding transcript variant (1).
Genome position (GRCh38, 1-based): chr11:17,397,709, C deleted on the plus strand (G on the coding strand, the reverse complement: ABCC8 is on the minus strand); the first of 3 consecutive C bases (chr11:17,397,709-17,397,711); deleting any one gives the same sequence. VCF-style (leftmost placement, unchanged base first): chr11-17397708-GC-G. GRCh37 (hg19) VCF-style: chr11-17419255-GC-G.
Other names: c.3845del, p.Gly1282fs (NM_001287174.3); c.3908del, p.Gly1303fs (NM_001351295.2); c.3842del, p.Gly1281fs (NM_001351296.2); c.3839del, p.Gly1280fs (NM_001351297.2); short protein forms G1280fs, G1281fs, G1282fs, G1303fs.
Identifiers: ClinVar variation 1726725 (VCV001726725.2), dbSNP rs1954013968, ClinGen allele CA2580082753.